The following is an entry in ClinVar:

NM_024334.3(TMEM43):c.699T>C (p.Tyr233=)

Gene: TMEM43 (transmembrane protein 43; plus strand). Cytogenetic location: 3p25.1.
Variant type: single nucleotide variant.
Coding change: c.699T>C on transcript NM_024334.3 (MANE Select); coding-DNA position 699, T replaced by C.
Protein change: p.Tyr233=; no amino-acid change (tyrosine 233 retained).
Molecular consequence: synonymous variant.
Genome position (GRCh38, 1-based): chr3:14,134,885, T>C. VCF-style: chr3-14134885-T-C. GRCh37 (hg19) VCF-style: chr3-14176385-T-C.
Other names: c.702T>C, p.Tyr234= (NM_001407274.1); c.699T>C, p.Tyr233= (NM_001407275.1, NM_001407276.1, NM_001407277.1 and 1 more transcripts); c.684T>C, p.Tyr228= (NM_001407278.1); c.549T>C, p.Tyr183= (NM_001407280.1).
Identifiers: ClinVar variation 1960282 (VCV001960282.5), dbSNP rs1321317891, ClinGen allele CA432551895.
Genomic context (GRCh38, chr3:14,134,885, plus strand): 5'-CCCTCATGTGGACATCATTCGCCGTGGAGACTTTTTCTACCACAGCGAAAATCCCAAGTA[T>C]CCAGAGGTGTGCGGAGAGGCCTGGGCTCTCCAAATAGGAGGGTCAGGGCGCTAGGATCAG-3'
Protein context (NP_077310.1, residues 223-243): DFFYHSENPK[Tyr233=]PEVGDLRVSF

ClinVar aggregate classification (germline): Uncertain significance (1 of 4 stars; one submission).

Conditions:
Arrhythmogenic right ventricular dysplasia 5. Also called: Arrhythmogenic Right Ventricular Dysplasia/Cardiomyopathy 5; ARRHYTHMOGENIC RIGHT VENTRICULAR DYSPLASIA, FAMILIAL, 5. Identifiers: MedGen C1858379, MONDO:0011459, OMIM 604400.

Submission:

Labcorp Genetics (formerly Invitae), Labcorp
Classification: Uncertain significance for Arrhythmogenic right ventricular dysplasia 5. Last evaluated: 2022-05-18. Review status: criteria provided, single submitter. Criteria: Invitae Variant Classification Sherloc (09022015). Collection method: clinical testing. Allele origin: germline.
Comment: This variant is not present in population databases (gnomAD no frequency). This variant has not been reported in the literature in individuals affected with TMEM43-related conditions. Algorithms developed to predict the effect of sequence changes on RNA splicing suggest that this variant may disrupt the consensus splice site. In summary, the available evidence is currently insufficient to determine the role of this variant in disease. Therefore, it has been classified as a Variant of Uncertain Significance. This sequence change affects codon 233 of the TMEM43 mRNA. It is a 'silent' change, meaning that it does not change the encoded amino acid sequence of the TMEM43 protein.